The following is an entry in ClinVar:

ClinVar aggregate classification (germline): Pathogenic (1 of 4 stars; one submission).

Conditions:
Glycogen storage disease, type IV (GSD4). Also called: AMYLOPECTINOSIS; ANDERSEN DISEASE; BRANCHER DEFICIENCY; CIRRHOSIS, FAMILIAL, WITH DEPOSITION OF ABNORMAL GLYCOGEN; Glycogen storage disease due to glycogen branching enzyme deficiency; GBE1 DEFICIENCY. Identifiers: Orphanet 367, MedGen C0017923, MONDO:0009292, OMIM 232500.
Glycogen storage disease IV, classic hepatic. Also called: GSD IV, CLASSIC HEPATIC. Identifiers: MedGen C1856301.

Submission:

Labcorp Genetics (formerly Invitae), Labcorp
Classification: Pathogenic for Glycogen storage disease, type IV; Glycogen storage disease IV, classic hepatic. Last evaluated: 2022-03-27. Review status: criteria provided, single submitter. Criteria: Invitae Variant Classification Sherloc (09022015). Collection method: clinical testing. Allele origin: germline.
Comment: This variant is a gross deletion of the genomic region encompassing exon(s) 4-16 of the GBE1 gene, which includes the termination codon. This deletion extends beyond the assayed region for this gene and therefore may encompass additional genes. While this deletion is not anticipated to lead to nonsense mediated decay, it is expected to alter mRNA translation or result in a truncated protein product. This variant has not been reported in the literature in individuals affected with GBE1-related conditions. The region of the GBE1 gene that includes exon(s) 7 has been determined to be clinically significant (PMID: 21917543). Therefore, deletions that encompass that region are likely to be disease-causing. For these reasons, this variant has been classified as Pathogenic.

Literature cited by the submitters: PubMed 21917543.

NC_000003.11:g.(?_81539548)_(81699082_?)del

Gene: GBE1 (1,4-alpha-glucan branching enzyme 1; minus strand). Cytogenetic location: 3p12.2.
Variant type: Deletion.
Identifiers: ClinVar variation 2422489 (VCV002422489.3).